The following is an entry in ClinVar:

NM_004991.4(MECOM):c.3526A>G (p.Ser1176Gly)

Gene: MECOM (MDS1 and EVI1 complex locus; minus strand). Cytogenetic location: 3q26.2.
Variant type: single nucleotide variant.
Coding change: c.3526A>G on transcript NM_004991.4 (MANE Select); coding-DNA position 3526, A replaced by G.
Protein change: p.Ser1176Gly; replaces serine 1176 with glycine.
Molecular consequence: missense variant.
Genome position (GRCh38, 1-based): chr3:169,089,059, T>C on the plus strand (A>G on the coding strand, the complement: MECOM is on the minus strand). VCF-style: chr3-169089059-T-C. GRCh37 (hg19) VCF-style: chr3-168806847-T-C.
Other names: c.3157A>G, p.Ser1053Gly (NM_001105077.4); c.2962A>G, p.Ser988Gly (NM_001105078.4, NM_001205194.2, NM_001366469.2 and 1 more transcripts); c.2938A>G, p.Ser980Gly (NM_001163999.2, NM_001366470.2); c.2935A>G, p.Ser979Gly (NM_001164000.2, NM_001366471.2, NM_001366472.2); c.3499A>G, p.Ser1167Gly (NM_001366466.2); c.2965A>G, p.Ser989Gly (NM_001366467.2, NM_001366468.2); c.2527A>G, p.Ser843Gly (NM_001366473.2); c.1963A>G, p.Ser655Gly (NM_001366474.2); short protein forms S655G, S989G, S988G, S979G, S1053G, S1167G, S1176G, S843G.
Identifiers: ClinVar variation 4624747 (VCV004624747.2).

ClinVar aggregate classification (germline): Uncertain significance. Review status: criteria provided, multiple submitters, no conflicts (2 of 4 stars). 2 submissions from 2 submitters: Uncertain significance (2). Last evaluated 2025-12-11.

Conditions:
Inborn genetic diseases. Identifiers: MedGen C0950123, MeSH D030342.

gnomAD v4.1: 1 of 1,609,724 alleles (0.000062%); highest among the groups gnomAD compares: South Asian, 0.0011%; no homozygotes.

Submissions (2):

Ambry Genetics
Classification: Uncertain significance for Inborn genetic diseases. Last evaluated: 2025-12-11. Review status: criteria provided, single submitter. Criteria: Ambry Variant Classification Scheme 2023. Collection method: clinical testing. Allele origin: germline.
Comment: The p.S1176G variant (also known as c.3526A>G), located in coding exon 16 of the MECOM gene, results from an A to G substitution at nucleotide position 3526. The serine at codon 1176 is replaced by glycine, an amino acid with similar properties. This amino acid position is conserved. In addition, this alteration is predicted to be tolerated by in silico analysis. Based on the available evidence, the clinical significance of this variant remains unclear.

Blueprint Genetics
Classification: Uncertain significance. Last evaluated: 2022-02-16. Review status: criteria provided, single submitter. Criteria: ACMG Guidelines, 2015. Collection method: clinical testing. Allele origin: germline.